The following is an entry in ClinVar:

ClinVar aggregate classification (germline): Uncertain significance (1 of 4 stars; one submission).

Submission:

Ambry Genetics
Classification: Uncertain significance. Last evaluated: 2023-05-28. Review status: criteria provided, single submitter. Criteria: Ambry Variant Classification Scheme 2023. Collection method: clinical testing. Allele origin: germline.
Comment: The p.R378K variant (also known as c.1133G>A), located in coding exon 3 of the TERF2IP gene, results from a G to A substitution at nucleotide position 1133. The arginine at codon 378 is replaced by lysine, an amino acid with highly similar properties. This amino acid position is conserved. In addition, this alteration is predicted to be tolerated by in silico analysis. Since supporting evidence is limited at this time, the clinical significance of this alteration remains unclear.

NM_018975.4(TERF2IP):c.1133G>A (p.Arg378Lys)

Gene: TERF2IP (TERF2 interacting protein; plus strand). Cytogenetic location: 16q23.1.
Variant type: single nucleotide variant.
Coding change: c.1133G>A on transcript NM_018975.4 (MANE Select); coding-DNA position 1133, G replaced by A.
Protein change: p.Arg378Lys; replaces arginine 378 with lysine.
Molecular consequence: missense variant. On other transcripts: non-coding transcript variant (1).
Genome position (GRCh38, 1-based): chr16:75,656,544, G>A. VCF-style: chr16-75656544-G-A. GRCh37 (hg19) VCF-style: chr16-75690442-G-A.
Other names: short protein forms R378K.
Identifiers: ClinVar variation 2563470 (VCV002563470.2), dbSNP rs2507089968, ClinGen allele CA396820333.